The following is an entry in ClinVar:

ClinVar aggregate classification (germline): Uncertain significance (1 of 4 stars; one submission).

Conditions:
Epileptic encephalopathy. Identifiers: MedGen C0543888, HP:0200134.

Allele frequency attached by ClinVar (database versions not stated): TOPMed 0.00007; ExAC 0.00002; gnomAD exomes 0.00002; ESP Exome Variant Server 0.00008; gnomAD 0.00011.
gnomAD v4.1: 25 of 1,611,092 alleles (0.0016%); highest among the groups gnomAD compares: African/African-American, 0.031%; no homozygotes.

Submission:

Labcorp Genetics (formerly Invitae), Labcorp
Classification: Uncertain significance for Epileptic encephalopathy. Last evaluated: 2024-10-28. Review status: criteria provided, single submitter. Criteria: Invitae Variant Classification Sherloc (09022015). Collection method: clinical testing. Allele origin: germline.
Comment: This sequence change replaces valine, which is neutral and non-polar, with alanine, which is neutral and non-polar, at codon 1864 of the FASN protein (p.Val1864Ala). This variant is present in population databases (rs148568183, gnomAD 0.04%). This variant has not been reported in the literature in individuals affected with FASN-related conditions. ClinVar contains an entry for this variant (Variation ID: 567970). An algorithm developed to predict the effect of missense changes on protein structure and function outputs the following: PolyPhen-2: "Benign". The alanine amino acid residue is found in multiple mammalian species, which suggests that this missense change does not adversely affect protein function. In summary, the available evidence is currently insufficient to determine the role of this variant in disease. Therefore, it has been classified as a Variant of Uncertain Significance.

NM_004104.5(FASN):c.5591T>C (p.Val1864Ala)

Gene: FASN (fatty acid synthase; minus strand). Cytogenetic location: 17q25.3.
Variant type: single nucleotide variant.
Coding change: c.5591T>C on transcript NM_004104.5 (MANE Select); coding-DNA position 5591, T replaced by C.
Protein change: p.Val1864Ala; replaces valine 1864 with alanine.
Molecular consequence: missense variant.
Genome position (GRCh38, 1-based): chr17:82,083,090, A>G on the plus strand (T>C on the coding strand, the complement: FASN is on the minus strand). VCF-style: chr17-82083090-A-G. GRCh37 (hg19) VCF-style: chr17-80040966-A-G.
Other names: short protein forms V1864A.
Identifiers: ClinVar variation 567970 (VCV000567970.8), dbSNP rs148568183, ClinGen allele CA8851622.